The following is an entry in ClinVar:

ClinVar aggregate classification (germline): Uncertain significance (1 of 4 stars; one submission).

Submission:

GeneDx
Classification: Uncertain significance. Last evaluated: 2026-04-26. Review status: criteria provided, single submitter. Criteria: GeneDx Variant Classification Process June 2021. Collection method: clinical testing. Allele origin: germline.
Comment: In silico analysis supports that this missense variant has a deleterious effect on protein structure/function; Has not been previously published as pathogenic or benign to our knowledge; Affects a glycine residue in a Gly-X-Y motif in the triple helical region of the COL4A1 gene

NM_001845.6(COL4A1):c.877G>A (p.Gly293Ser)

Gene: COL4A1 (collagen type IV alpha 1 chain; minus strand). Cytogenetic location: 13q34.
Variant type: single nucleotide variant.
Coding change: c.877G>A on transcript NM_001845.6 (MANE Select); coding-DNA position 877, G replaced by A.
Protein change: p.Gly293Ser; replaces glycine 293 with serine.
Molecular consequence: missense variant.
Genome position (GRCh38, 1-based): chr13:110,205,520, C>T on the plus strand (G>A on the coding strand, the complement: COL4A1 is on the minus strand). VCF-style: chr13-110205520-C-T. GRCh37 (hg19) VCF-style: chr13-110857867-C-T.
Other names: c.877G>A, p.Gly293Ser (NM_001303110.2); short protein forms G293S.
Identifiers: ClinVar variation 5037669 (VCV005037669.1).